The following is an entry in ClinVar:

ClinVar aggregate classification (germline): Uncertain significance (1 of 4 stars; one submission).

Conditions:
Hereditary cancer-predisposing syndrome. Also called: Hereditary Cancer Syndrome; Hereditary neoplastic syndrome; Neoplastic Syndromes, Hereditary; Tumor predisposition. Identifiers: Orphanet 140162, MedGen C0027672, MeSH D009386, MONDO:0015356.

Submission:

Ambry Genetics
Classification: Uncertain significance for Hereditary cancer-predisposing syndrome. Last evaluated: 2025-04-12. Review status: criteria provided, single submitter. Criteria: Ambry Variant Classification Scheme 2023. Collection method: clinical testing. Allele origin: germline.
Comment: The p.E27Q variant (also known as c.79G>C), located in coding exon 2 of the MRE11A gene, results from a G to C substitution at nucleotide position 79. The glutamic acid at codon 27 is replaced by glutamine, an amino acid with highly similar properties. This amino acid position is conserved. In addition, the in silico prediction for this alteration is inconclusive. Based on the available evidence, the clinical significance of this variant remains unclear.

NM_005591.4(MRE11):c.79G>C (p.Glu27Gln)

Gene: MRE11 (MRE11 double strand break repair nuclease; minus strand). Cytogenetic location: 11q21.
Variant type: single nucleotide variant.
Coding change: c.79G>C on transcript NM_005591.4 (MANE Select); coding-DNA position 79, G replaced by C.
Protein change: p.Glu27Gln; replaces glutamic acid 27 with glutamine.
Molecular consequence: missense variant.
Genome position (GRCh38, 1-based): chr11:94,490,907, C>G on the plus strand (G>C on the coding strand, the complement: MRE11 is on the minus strand). VCF-style: chr11-94490907-C-G. GRCh37 (hg19) VCF-style: chr11-94224073-C-G.
Other names: c.79G>C, p.Glu27Gln (NM_001330347.2, NM_005590.4); short protein forms E27Q.
Identifiers: ClinVar variation 3912873 (VCV003912873.1).